The following is an entry in ClinVar:

ClinVar aggregate classification (germline): Uncertain significance (1 of 4 stars; one submission).

Submission:

GeneDx
Classification: Uncertain significance. Last evaluated: 2023-03-22. Review status: criteria provided, single submitter. Criteria: GeneDx Variant Classification Process June 2021. Collection method: clinical testing. Allele origin: germline. Affected: yes.
Comment: Not observed at significant frequency in large population cohorts (gnomAD); In silico analysis supports that this missense variant does not alter protein structure/function; Has not been previously published as pathogenic or benign to our knowledge

NM_001374353.1(GLI2):c.871A>G (p.Ile291Val)

Gene: GLI2 (GLI family zinc finger 2; plus strand). Cytogenetic location: 2q14.2.
Variant type: single nucleotide variant.
Coding change: c.871A>G on transcript NM_001374353.1 (MANE Select); coding-DNA position 871, A replaced by G.
Protein change: p.Ile291Val; replaces isoleucine 291 with valine.
Molecular consequence: missense variant.
Genome position (GRCh38, 1-based): chr2:120,970,418, A>G. VCF-style: chr2-120970418-A-G. GRCh37 (hg19) VCF-style: chr2-121727994-A-G.
Other names: c.871A>G, p.Ile291Val (NM_001371271.1, NM_005270.5); c.496A>G, p.Ile166Val (NM_001374354.1); short protein forms I166V, I291V.
Identifiers: ClinVar variation 2580591 (VCV002580591.1), dbSNP rs200853289, ClinGen allele CA348167512.